The following is an entry in ClinVar:

NM_000170.3(GLDC):c.635G>A (p.Arg212Lys)

Gene: GLDC (glycine decarboxylase; minus strand). Cytogenetic location: 9p24.1.
Variant type: single nucleotide variant.
Coding change: c.635G>A on transcript NM_000170.3 (MANE Select); coding-DNA position 635, G replaced by A.
Protein change: p.Arg212Lys; replaces arginine 212 with lysine.
Molecular consequence: missense variant.
Genome position (GRCh38, 1-based): chr9:6,610,192, C>T on the plus strand (G>A on the coding strand, the complement: GLDC is on the minus strand). VCF-style: chr9-6610192-C-T. GRCh37 (hg19) VCF-style: chr9-6610192-C-T.
Other names: short protein forms R212K.
Identifiers: ClinVar variation 56173 (VCV000056173.17), dbSNP rs386833584, ClinGen allele CA263464.

ClinVar aggregate classification (germline): Uncertain significance. Review status: criteria provided, multiple submitters, no conflicts (2 of 4 stars). 7 submissions from 7 submitters: Uncertain significance (5). 2 of the submissions do not count toward it. Last evaluated 2025-08-08.

Conditions:
Glycine encephalopathy 1 (GCE1). Identifiers: MedGen CN376801, MONDO:0958179, OMIM 605899.
Glycine encephalopathy. Also called: Nonketotic hyperglycinemia; Non-ketotic hyperglycinemia. Identifiers: Orphanet 407, MedGen C0751748, MONDO:0011612, HP:0008288.

Allele frequency attached by ClinVar (database versions not stated): TOPMed 0.00002.
gnomAD v4.1: 17 of 1,609,172 alleles (0.0011%); highest among the groups gnomAD compares: Middle Eastern, 0.017%; no homozygotes.

Submissions (7):

Women's Health and Genetics/Laboratory Corporation of America, LabCorp
Classification: Uncertain significance. Last evaluated: 2025-08-08. Review status: criteria provided, single submitter. Criteria: LabCorp Variant Classification Summary - May 2015. Collection method: clinical testing. Allele origin: germline.
Comment: Variant summary: GLDC c.635G>A (p.Arg212Lys) results in a conservative amino acid change located in the N-terminal domain (IPR049315) of the encoded protein sequence. Algorithms developed to predict the effect of missense changes on protein structure and function are either unavailable or do not agree on the potential impact of this missense change. Several computational tools predict a significant impact on normal splicing: Four predict the variant weakens a 5' donor site. However, these predictions have yet to be confirmed by functional studies. The variant allele was found at a frequency of 1.6e-05 in 242638 control chromosomes. The available data on variant occurrences in the general population are insufficient to allow any conclusion about variant significance. c.635G>A has been observed in an individual affected with Glycine Encephalopathy (Non-Ketotic Hyperglycinemia) without another variant identified in trans (Conter_2006). This report does not provide unequivocal conclusions about association of the variant with Glycine Encephalopathy (Non-Ketotic Hyperglycinemia). To our knowledge, no experimental evidence demonstrating an impact on protein function has been reported. The following publication has been ascertained in the context of this evaluation (PMID: 16601880). ClinVar contains an entry for this variant (Variation ID: 56173). Based on the evidence outlined above, the variant was classified as uncertain significance.

Labcorp Genetics (formerly Invitae), Labcorp
Classification: Uncertain significance for Glycine encephalopathy. Last evaluated: 2025-07-06. Review status: criteria provided, single submitter. Criteria: Invitae Variant Classification Sherloc (09022015). Collection method: clinical testing. Allele origin: germline.
Comment: This sequence change replaces arginine, which is basic and polar, with lysine, which is basic and polar, at codon 212 of the GLDC protein (p.Arg212Lys). This variant also falls at the last nucleotide of exon 4, which is part of the consensus splice site for this exon. This variant is present in population databases (rs386833584, gnomAD 0.01%). This missense change has been observed in individual(s) with clinical features of non-ketotic hyperglycinemia (PMID: 16601880). ClinVar contains an entry for this variant (Variation ID: 56173). Invitae Evidence Modeling of protein sequence and biophysical properties (such as structural, functional, and spatial information, amino acid conservation, physicochemical variation, residue mobility, and thermodynamic stability) indicates that this missense variant is expected to disrupt GLDC protein function with a positive predictive value of 95%. Variants that disrupt the consensus splice site are a relatively common cause of aberrant splicing (PMID: 17576681, 9536098). In summary, the available evidence is currently insufficient to determine the role of this variant in disease. Therefore, it has been classified as a Variant of Uncertain Significance.

Blueprint Genetics
Classification: Uncertain significance. Last evaluated: 2024-08-05. Review status: criteria provided, single submitter. Criteria: ACMG Guidelines, 2015. Collection method: clinical testing. Allele origin: germline.

Genomic Medicine Center of Excellence, King Faisal Specialist Hospital and Research Centre
Classification: Uncertain significance for Glycine encephalopathy 1. Last evaluated: 2024-03-26. Review status: criteria provided, single submitter. Criteria: ACMG Guidelines, 2015. Collection method: clinical testing. Allele origin: germline.

GeneDx
Classification: Uncertain significance. Last evaluated: 2019-07-23. Review status: criteria provided, single submitter. Criteria: GeneDx Variant Classification Process June 2021. Collection method: clinical testing. Allele origin: germline. Affected: yes.
Comment: Reported in a patient with nonketotic hyperglycinemia in published literature; however, a second GLDC variant was not identified (Conter et al., 2006); In silico analysis, which includes protein predictors and evolutionary conservation, supports that this variant does not alter protein structure/function; In-silico analysis, which includes splice predictors and evolutionary conservation, is inconclusive as to whether the variant alters gene splicing. In the absence of RNA/functional studies, the actual effect of this sequence change is unknown.; Not observed at a significant frequency in large population cohorts (Lek et al., 2016); This variant is associated with the following publications: (PMID: 31589614, 16601880)

Natera, Inc.
Classification: Uncertain significance for Non-ketotic hyperglycinemia. Last evaluated: 2020-03-30. Review status: no assertion criteria provided. Collection method: clinical testing. Allele origin: germline. Not counted in ClinVar's aggregate classification.

Juha Muilu Group; Institute for Molecular Medicine Finland (FIMM)
Classification: Likely pathogenic for Non-ketotic hyperglycinemia. Review status: no assertion criteria provided. Collection method: not provided. Allele origin: unknown. Not counted in ClinVar's aggregate classification.
Comment: FinDis database variant: This variant was not found or characterized by our laboratory, data were collected from public sources: see reference
ClinVar note: Converted during submission from probable-pathogenic to Likely pathogenic.

Literature cited by the submitters: PubMed 16601880 (cited by Women's Health and Genetics/Laboratory Corporation of America, LabCorp and Labcorp Genetics (formerly Invitae), Labcorp); PubMed 17576681 (cited by Labcorp Genetics (formerly Invitae), Labcorp); PubMed 9536098 (cited by Labcorp Genetics (formerly Invitae), Labcorp).